The following is an entry in ClinVar:

NM_006073.4(TRDN):c.1576A>C (p.Ile526Leu)

Gene: TRDN (triadin; minus strand). Cytogenetic location: 6q22.31.
Variant type: single nucleotide variant.
Coding change: c.1576A>C on transcript NM_006073.4 (MANE Select); coding-DNA position 1576, A replaced by C.
Protein change: p.Ile526Leu; replaces isoleucine 526 with leucine.
Molecular consequence: missense variant.
Genome position (GRCh38, 1-based): chr6:123,274,662, T>G on the plus strand (A>C on the coding strand, the complement: TRDN is on the minus strand). VCF-style: chr6-123274662-T-G. GRCh37 (hg19) VCF-style: chr6-123595807-T-G.
Other names: short protein forms I526L.
Identifiers: ClinVar variation 355213 (VCV000355213.43), dbSNP rs375091695, ClinGen allele CA3983857.

ClinVar aggregate classification (germline): Likely benign. Review status: criteria provided, multiple submitters, no conflicts (2 of 4 stars). 5 submissions from 5 submitters: Likely benign (4). 1 of the submissions does not count toward it. Last evaluated 2026-01-21.

Conditions:
Cardiovascular phenotype. Identifiers: MedGen CN230736.
TRDN-related disorder. Also called: TRDN-related condition.
Catecholaminergic polymorphic ventricular tachycardia 1. Also called: VENTRICULAR TACHYCARDIA, STRESS-INDUCED POLYMORPHIC 1; VENTRICULAR TACHYCARDIA, CATECHOLAMINERGIC POLYMORPHIC, 1, WITH OR WITHOUT ATRIAL DYSFUNCTION AND/OR DILATED CARDIOMYOPATHY; RYR2-Related Catecholaminergic Polymorphic Ventricular Tachycardia. Identifiers: Orphanet 3286, MedGen C1631597, MONDO:0011484, OMIM 604772.

Allele frequency attached by ClinVar (database versions not stated): gnomAD 0.00008; ESP Exome Variant Server 0.00009; gnomAD exomes 0.00009 and 0.00023; TOPMed 0.00010; ExAC 0.00021.
gnomAD v4.1: 167 of 1,608,630 alleles (0.01%); highest among the groups gnomAD compares: Admixed American, 0.0034%; no homozygotes.

Submissions (5):

Labcorp Genetics (formerly Invitae), Labcorp
Classification: Likely benign for Catecholaminergic polymorphic ventricular tachycardia 1. Last evaluated: 2026-01-21. Review status: criteria provided, single submitter. Criteria: Invitae Variant Classification Sherloc (09022015). Collection method: clinical testing. Allele origin: germline.

CeGaT Center for Human Genetics Tuebingen
Classification: Likely benign. Last evaluated: 2026-01-01. Review status: criteria provided, single submitter. Criteria: CeGaT Center For Human Genetics Tuebingen Variant Classification Criteria Version 2. Collection method: clinical testing. Allele origin: germline. Affected: yes. Observed: 4 variant alleles.
Comment: TRDN: BP4

Ambry Genetics
Classification: Likely benign for Cardiovascular phenotype. Last evaluated: 2022-11-01. Review status: criteria provided, single submitter. Criteria: Ambry Variant Classification Scheme 2023. Collection method: clinical testing. Allele origin: germline.

GeneDx
Classification: Likely benign. Last evaluated: 2018-11-07. Review status: criteria provided, single submitter. Criteria: GeneDx Variant Classification Process June 2021. Collection method: clinical testing. Allele origin: germline. Affected: yes.

PreventionGenetics, part of Exact Sciences
Classification: Likely benign for TRDN-related condition. Last evaluated: 2024-05-03. Review status: no assertion criteria provided. Collection method: clinical testing. Allele origin: germline. Not counted in ClinVar's aggregate classification.
Comment: This variant is classified as likely benign based on ACMG/AMP sequence variant interpretation guidelines (Richards et al. 2015 PMID: 25741868, with internal and published modifications).